The following is an entry in ClinVar:

NM_000271.5(NPC1):c.887G>T (p.Arg296Leu)

Gene: NPC1 (NPC intracellular cholesterol transporter 1; minus strand). Cytogenetic location: 18q11.2.
Variant type: single nucleotide variant.
Coding change: c.887G>T on transcript NM_000271.5 (MANE Select); coding-DNA position 887, G replaced by T.
Protein change: p.Arg296Leu; replaces arginine 296 with leucine.
Molecular consequence: missense variant.
Genome position (GRCh38, 1-based): chr18:23,557,185, C>A on the plus strand (G>T on the coding strand, the complement: NPC1 is on the minus strand). VCF-style: chr18-23557185-C-A. GRCh37 (hg19) VCF-style: chr18-21137149-C-A.
Other names: short protein forms R296L.
Identifiers: ClinVar variation 1986932 (VCV001986932.1), dbSNP rs774386583, ClinGen allele CA8913600.

ClinVar aggregate classification (germline): Uncertain significance (1 of 4 stars; one submission).

Conditions:
Niemann-Pick disease, type C1. Also called: NEUROVISCERAL STORAGE DISEASE WITH VERTICAL SUPRANUCLEAR OPHTHALMOPLEGIA; NIEMANN-PICK DISEASE WITH CHOLESTEROL ESTERIFICATION BLOCK; NIEMANN-PICK DISEASE WITHOUT SPHINGOMYELINASE DEFICIENCY; NIEMANN-PICK DISEASE, CHRONIC NEURONOPATHIC FORM; NIEMANN-PICK DISEASE, VARIANT TYPE C1. Identifiers: Orphanet 646, MedGen C3179455, MONDO:0009757, OMIM 257220.

Submission:

Labcorp Genetics (formerly Invitae), Labcorp
Classification: Uncertain significance for Niemann-Pick disease, type C1. Last evaluated: 2022-04-19. Review status: criteria provided, single submitter. Criteria: Invitae Variant Classification Sherloc (09022015). Collection method: clinical testing. Allele origin: germline.
Comment: This sequence change replaces arginine, which is basic and polar, with leucine, which is neutral and non-polar, at codon 296 of the NPC1 protein (p.Arg296Leu). The frequency data for this variant in the population databases is considered unreliable, as metrics indicate poor data quality at this position in the gnomAD database. This variant has not been reported in the literature in individuals affected with NPC1-related conditions. Algorithms developed to predict the effect of missense changes on protein structure and function are either unavailable or do not agree on the potential impact of this missense change (SIFT: "Deleterious"; PolyPhen-2: "Benign"; Align-GVGD: "Class C0"). In summary, the available evidence is currently insufficient to determine the role of this variant in disease. Therefore, it has been classified as a Variant of Uncertain Significance.